The following is an entry in ClinVar:

ClinVar aggregate classification (germline): Benign (1 of 4 stars; one submission).

Conditions:
Familial cancer of breast. Also called: hereditary breast carcinoma; Hereditary breast cancer; BREAST CANCER, FAMILIAL. Identifiers: Orphanet 227535, MedGen C0346153, MONDO:0016419, OMIM 114480. Disease mechanism: loss of function.

Submission:

Myriad Genetics, Inc.
Classification: Benign for Familial cancer of breast. Last evaluated: 2024-09-03. Review status: criteria provided, single submitter. Criteria: Myriad Autosomal Dominant, Autosomal Recessive and X-Linked Classification Criteria (2023). Collection method: clinical testing. Allele origin: unknown.
Comment: This variant is considered benign. This variant is a silent/synonymous amino acid change and it is not expected to impact splicing.

NM_032043.3(BRIP1):c.2004A>G (p.Glu668=)

Gene: BRIP1 (BRCA1 interacting DNA helicase 1; minus strand). Cytogenetic location: 17q23.2.
Variant type: single nucleotide variant.
Coding change: c.2004A>G on transcript NM_032043.3 (MANE Select); coding-DNA position 2004, A replaced by G.
Protein change: p.Glu668=; no amino-acid change (glutamic acid 668 retained).
Molecular consequence: synonymous variant.
Genome position (GRCh38, 1-based): chr17:61,776,494, T>C on the plus strand (A>G on the coding strand, the complement: BRIP1 is on the minus strand). VCF-style: chr17-61776494-T-C. GRCh37 (hg19) VCF-style: chr17-59853855-T-C.
Identifiers: ClinVar variation 3379327 (VCV003379327.1).